The following is an entry in ClinVar:

NM_001374828.1(ARID1B):c.5272del (p.Glu1758fs)

Gene: ARID1B (AT-rich interaction domain 1B; plus strand). Cytogenetic location: 6q25.3.
Variant type: Deletion.
Coding change: c.5272del on transcript NM_001374828.1 (MANE Select); coding-DNA position 5272, one base deleted (G; older notation c.5272delG).
Protein change: p.Glu1758fs; shifts the reading frame from glutamic acid 1758.
Molecular consequence: frameshift variant.
Genome position (GRCh38, 1-based): chr6:157,203,874, G deleted. VCF-style (leftmost placement, unchanged base first): chr6-157203873-TG-T. GRCh37 (hg19) VCF-style: chr6-157525007-TG-T.
Other names: c.4903delG (NM_020732.3); c.2773del, p.Glu925fs (NM_001363725.2); c.5152del, p.Glu1718fs (NM_001371656.1, NM_001374820.1); c.5113del, p.Glu1705fs (NM_017519.3); short protein forms E925fs, E1705fs, E1718fs, E1758fs.
Identifiers: ClinVar variation 432571 (VCV000432571.2), dbSNP rs1554236600, ClinGen allele CA645372437.

ClinVar aggregate classification (germline): Pathogenic (1 of 4 stars; one submission).

Submission:

GeneDx
Classification: Pathogenic. Last evaluated: 2017-06-09. Review status: criteria provided, single submitter. Criteria: GeneDx Variant Classification (06012015). Collection method: clinical testing. Allele origin: germline. Affected: yes.
Comment: The c.4903delG variant in the ARID1B gene has not been reported previously as a pathogenic variant nor as a benign variant, to our knowledge. The c.4903delG variant causes a frameshift starting with codon Glutamic acid 1635, changes this amino acid to a Arginine residue, and creates a premature Stop codon at position 5 of the new reading frame, denoted p.Glu1635ArgfsX5. This variant is predicted to cause loss of normal protein function either through protein truncation or nonsense-mediated mRNA decay. The c.4903delG variant is not observed in large population cohorts (Lek et al., 2016; 1000 Genomes Consortium et al., 2015; Exome Variant Server). We interpret c.4903delG as a pathogenic variant.